The following is an entry in ClinVar:

ClinVar aggregate classification (germline): Uncertain significance (1 of 4 stars; one submission).

Allele frequency attached by ClinVar (database versions not stated): gnomAD exomes below 0.00001; gnomAD 0.00001.

Submission:

Labcorp Genetics (formerly Invitae), Labcorp
Classification: Uncertain significance. Last evaluated: 2024-02-05. Review status: criteria provided, single submitter. Criteria: Invitae Variant Classification Sherloc (09022015). Collection method: clinical testing. Allele origin: germline.
Comment: This sequence change replaces serine, which is neutral and polar, with proline, which is neutral and non-polar, at codon 606 of the RNF31 protein (p.Ser606Pro). The frequency data for this variant in the population databases is considered unreliable, as metrics indicate poor data quality at this position in the gnomAD database. This variant has not been reported in the literature in individuals affected with RNF31-related conditions. ClinVar contains an entry for this variant (Variation ID: 1513859). An algorithm developed to predict the effect of missense changes on protein structure and function (PolyPhen-2) suggests that this variant is likely to be tolerated. In summary, the available evidence is currently insufficient to determine the role of this variant in disease. Therefore, it has been classified as a Variant of Uncertain Significance.

NM_017999.5(RNF31):c.1816T>C (p.Ser606Pro)

Gene: RNF31 (ring finger protein 31; plus strand). Cytogenetic location: 14q12.
Variant type: single nucleotide variant.
Coding change: c.1816T>C on transcript NM_017999.5 (MANE Select); coding-DNA position 1816, T replaced by C.
Protein change: p.Ser606Pro; replaces serine 606 with proline.
Molecular consequence: missense variant.
Genome position (GRCh38, 1-based): chr14:24,151,563, T>C. VCF-style: chr14-24151563-T-C. GRCh37 (hg19) VCF-style: chr14-24620772-T-C.
Other names: c.1363T>C, p.Ser455Pro (NM_001310332.2); short protein forms S455P, S606P.
Identifiers: ClinVar variation 1513859 (VCV001513859.6), dbSNP rs1315429923, ClinGen allele CA389298412.